The following is an entry in ClinVar:

ClinVar aggregate classification (germline): Benign/Likely benign. Review status: criteria provided, multiple submitters, no conflicts (2 of 4 stars). 8 submissions from 8 submitters: Benign (1); Likely benign (7). Last evaluated 2026-02-03.

Conditions:
Breast and/or ovarian cancer. Identifiers: MedGen CN221562.
Hereditary cancer-predisposing syndrome. Also called: Neoplastic Syndromes, Hereditary; Hereditary neoplastic syndrome; Tumor predisposition; Hereditary Cancer Syndrome. Identifiers: Orphanet 140162, MedGen C0027672, MeSH D009386, MONDO:0015356.
Ataxia-telangiectasia syndrome (AT). Also called: Ataxia telangiectasia (A-T); Cerebello-oculocutaneous telangiectasia; Immunodeficiency with ataxia telangiectasia; LOUIS-BAR SYNDROME; AT, COMPLEMENTATION GROUP C; ATAXIA-TELANGIECTASIA, FRESNO VARIANT. Identifiers: Orphanet 100, MedGen C0004135, MONDO:0008840, OMIM 208900.
Familial cancer of breast. Also called: hereditary breast carcinoma; Hereditary breast cancer; BREAST CANCER, FAMILIAL. Identifiers: Orphanet 227535, MedGen C0346153, MONDO:0016419, OMIM 114480. Disease mechanism: loss of function.

Allele frequency attached by ClinVar (database versions not stated): gnomAD exomes 0.00006 and 0.00002; 1000 Genomes Project 30x 0.00031; gnomAD 0.00001; 1000 Genomes Project 0.00040; ExAC 0.00009.
gnomAD v4.1: 30 of 1,612,086 alleles (0.0019%); highest among the groups gnomAD compares: South Asian, 0.028%; no homozygotes.

Submissions (8):

Labcorp Genetics (formerly Invitae), Labcorp
Classification: Likely benign for Ataxia-telangiectasia syndrome. Last evaluated: 2026-02-03. Review status: criteria provided, single submitter. Criteria: Invitae Variant Classification Sherloc (09022015). Collection method: clinical testing. Allele origin: germline.

Myriad Genetics, Inc.
Classification: Benign for Familial cancer of breast. Last evaluated: 2024-06-14. Review status: criteria provided, single submitter. Criteria: Myriad Autosomal Dominant, Autosomal Recessive and X-Linked Classification Criteria (2023). Collection method: clinical testing. Allele origin: unknown.
Comment: This variant is considered benign. This variant is a silent/synonymous amino acid change and it is not expected to impact splicing.

Women's Health and Genetics/Laboratory Corporation of America, LabCorp
Classification: Likely benign. Last evaluated: 2024-06-09. Review status: criteria provided, single submitter. Criteria: LabCorp Variant Classification Summary - May 2015. Collection method: clinical testing. Allele origin: germline.

Department of Pathology and Laboratory Medicine, Sinai Health System
Classification: Likely benign for Familial cancer of breast. Last evaluated: 2022-10-19. Review status: criteria provided, single submitter. Criteria: ACMG Guidelines, 2015. Collection method: clinical testing. Allele origin: germline. Affected: yes.

Blueprint Genetics
Classification: Likely benign. Last evaluated: 2021-12-18. Review status: criteria provided, single submitter. Criteria: ACMG Guidelines, 2015. Collection method: clinical testing. Allele origin: germline.

CHEO Genetics Diagnostic Laboratory, Children's Hospital of Eastern Ontario
Classification: Likely benign for Breast and/or ovarian cancer. Last evaluated: 2020-01-31. Review status: criteria provided, single submitter. Criteria: ACMG Guidelines, 2015. Collection method: clinical testing. Allele origin: germline.

Color Diagnostics, LLC DBA Color Health
Classification: Likely benign for Hereditary cancer-predisposing syndrome. Last evaluated: 2017-08-14. Review status: criteria provided, single submitter. Criteria: ACMG Guidelines, 2015. Collection method: clinical testing. Allele origin: germline.

Ambry Genetics
Classification: Likely benign for Hereditary cancer-predisposing syndrome. Last evaluated: 2015-07-14. Review status: criteria provided, single submitter. Criteria: Ambry Variant Classification Scheme 2023. Collection method: clinical testing. Allele origin: germline.

NM_000051.4(ATM):c.7602C>T (p.Gly2534=)

Genes: ATM (ATM serine/threonine kinase; plus strand), C11orf65 (chromosome 11 open reading frame 65; minus strand). Cytogenetic location: 11q22.3.
Variant type: single nucleotide variant.
Coding change: c.7602C>T on transcript NM_000051.4 (MANE Select); coding-DNA position 7602, C replaced by T.
Protein change: p.Gly2534=; no amino-acid change (glycine 2534 retained).
Molecular consequence: synonymous variant. On other transcripts: non-coding transcript variant (1), intron variant (2).
Genome position (GRCh38, 1-based): chr11:108,331,530, C>T. VCF-style: chr11-108331530-C-T. GRCh37 (hg19) VCF-style: chr11-108202257-C-T.
Other names: c.7602C>T (NM_000051.2); c.7602C>T, p.Gly2534= (NM_001351834.2); c.641-22459G>A (NM_001330368.2); c.*38+3690G>A (NM_001351110.2).
Identifiers: ClinVar variation 232866 (VCV000232866.24), dbSNP rs562264493, ClinGen allele CA6266144.